The following is an entry in ClinVar:

ClinVar aggregate classification (germline): Uncertain significance (1 of 4 stars; one submission).

Submission:

GeneDx
Classification: Uncertain significance. Last evaluated: 2026-09-04. Review status: criteria provided, single submitter. Criteria: GeneDx Variant Classification Process June 2021. Collection method: clinical testing. Allele origin: germline.
Comment: Not observed at significant frequency in large population cohorts (gnomAD); In silico analysis suggests that this missense variant does not alter protein structure/function; Has not been previously published as pathogenic or benign to our knowledge

NM_016284.5(CNOT1):c.625A>G (p.Thr209Ala)

Gene: CNOT1 (CCR4-NOT transcription complex subunit 1; minus strand). Cytogenetic location: 16q21.
Variant type: single nucleotide variant.
Coding change: c.625A>G on transcript NM_016284.5 (MANE Select); coding-DNA position 625, A replaced by G.
Protein change: p.Thr209Ala; replaces threonine 209 with alanine.
Molecular consequence: missense variant. On other transcripts: non-coding transcript variant (1).
Genome position (GRCh38, 1-based): chr16:58,586,557, T>C on the plus strand (A>G on the coding strand, the complement: CNOT1 is on the minus strand). VCF-style: chr16-58586557-T-C. GRCh37 (hg19) VCF-style: chr16-58620461-T-C.
Other names: c.625A>G, p.Thr209Ala (NM_001265612.2, NM_206999.3); short protein forms T209A.
Identifiers: ClinVar variation 3731025 (VCV003731025.2).